The following is an entry in ClinVar:

NM_005502.4(ABCA1):c.2657T>C (p.Ile886Thr)

Gene: ABCA1 (ATP binding cassette subfamily A member 1; minus strand). Cytogenetic location: 9q31.1.
Variant type: single nucleotide variant.
Coding change: c.2657T>C on transcript NM_005502.4 (MANE Select); coding-DNA position 2657, T replaced by C.
Protein change: p.Ile886Thr; replaces isoleucine 886 with threonine.
Molecular consequence: missense variant.
Genome position (GRCh38, 1-based): chr9:104,822,667, A>G on the plus strand (T>C on the coding strand, the complement: ABCA1 is on the minus strand). VCF-style: chr9-104822667-A-G. GRCh37 (hg19) VCF-style: chr9-107584948-A-G.
Other names: short protein forms I886T.
Identifiers: ClinVar variation 3224739 (VCV003224739.2), dbSNP rs2538149744, ClinGen allele CA374320472.

ClinVar aggregate classification (germline): Uncertain significance. Review status: criteria provided, multiple submitters, no conflicts (2 of 4 stars). 2 submissions from 2 submitters: Uncertain significance (2). Last evaluated 2025-06-15.

Conditions:
Cardiovascular phenotype. Identifiers: MedGen CN230736.

Allele frequency attached by ClinVar (database versions not stated): gnomAD exomes below 0.00001.

Submissions (2):

Labcorp Genetics (formerly Invitae), Labcorp
Classification: Uncertain significance. Last evaluated: 2025-06-15. Review status: criteria provided, single submitter. Criteria: Invitae Variant Classification Sherloc (09022015). Collection method: clinical testing. Allele origin: germline.
Comment: This sequence change replaces isoleucine, which is neutral and non-polar, with threonine, which is neutral and polar, at codon 886 of the ABCA1 protein (p.Ile886Thr). This variant is not present in population databases (gnomAD no frequency). This variant has not been reported in the literature in individuals affected with ABCA1-related conditions. ClinVar contains an entry for this variant (Variation ID: 3224739). Invitae Evidence Modeling of protein sequence and biophysical properties (such as structural, functional, and spatial information, amino acid conservation, physicochemical variation, residue mobility, and thermodynamic stability) indicates that this missense variant is not expected to disrupt ABCA1 protein function with a negative predictive value of 95%. In summary, the available evidence is currently insufficient to determine the role of this variant in disease. Therefore, it has been classified as a Variant of Uncertain Significance.

Ambry Genetics
Classification: Uncertain significance for Cardiovascular phenotype. Last evaluated: 2023-11-13. Review status: criteria provided, single submitter. Criteria: Ambry Variant Classification Scheme 2023. Collection method: clinical testing. Allele origin: germline.
Comment: The p.I886T variant (also known as c.2657T>C) is located in coding exon 18 of the ABCA1 gene. The isoleucine at codon 886 is replaced by threonine, an amino acid with similar properties. This change occurs in the first base pair of coding exon 18. This amino acid position is conserved. In addition, this alteration is predicted to be tolerated by in silico analysis. Since supporting evidence is limited at this time, the clinical significance of this alteration remains unclear.